The following is an entry in ClinVar:

NM_004727.3(SLC24A1):c.2433G>C (p.Glu811Asp)

Gene: SLC24A1 (solute carrier family 24 member 1; plus strand). Cytogenetic location: 15q22.31.
Variant type: single nucleotide variant.
Coding change: c.2433G>C on transcript NM_004727.3 (MANE Select); coding-DNA position 2433, G replaced by C.
Protein change: p.Glu811Asp; replaces glutamic acid 811 with aspartic acid.
Molecular consequence: missense variant.
Genome position (GRCh38, 1-based): chr15:65,650,582, G>C. VCF-style: chr15-65650582-G-C. GRCh37 (hg19) VCF-style: chr15-65942920-G-C.
Other names: c.414G>C, p.Glu138Asp (NM_001254740.2); c.2433G>C, p.Glu811Asp (NM_001301031.1); c.2379G>C, p.Glu793Asp (NM_001301032.1, NM_001301033.2); short protein forms E811D, E793D, E138D.
Identifiers: ClinVar variation 1400123 (VCV001400123.8), dbSNP rs1274007240, ClinGen allele CA392899342.
Genomic context (GRCh38, chr15:65,650,582, plus strand): 5'-AGAAGAATGTGAAGATGAAAATGAAGCAGAAGGAAAAGGAGACAATGAAGGTGAAGATGA[G>C]GGTGAAATCCACGCAGAAGATGGTGAAATGAAAGGTAATGAAGGTGAAACTGAAAGCCAG-3'
Protein context (NP_004718.1, residues 801-821): EGKGDNEGED[Glu811Asp]GEIHAEDGEM

ClinVar aggregate classification (germline): Uncertain significance (1 of 4 stars; one submission).

Allele frequency attached by ClinVar (database versions not stated): gnomAD 0.00001; gnomAD exomes 0.00001.
gnomAD v4.1: 6 of 1,551,690 alleles (0.00039%); highest among the groups gnomAD compares: Admixed American, 0.0059%; no homozygotes.

Submission:

Labcorp Genetics (formerly Invitae), Labcorp
Classification: Uncertain significance. Last evaluated: 2025-04-02. Review status: criteria provided, single submitter. Criteria: Invitae Variant Classification Sherloc (09022015). Collection method: clinical testing. Allele origin: germline.
Comment: This sequence change replaces glutamic acid, which is acidic and polar, with aspartic acid, which is acidic and polar, at codon 811 of the SLC24A1 protein (p.Glu811Asp). This variant is present in population databases (no rsID available, gnomAD 0.004%). This variant has not been reported in the literature in individuals affected with SLC24A1-related conditions. ClinVar contains an entry for this variant (Variation ID: 1400123). An algorithm developed to predict the effect of missense changes on protein structure and function outputs the following: PolyPhen-2: "Possibly Damaging". The aspartic acid amino acid residue is found in multiple mammalian species, which suggests that this missense change does not adversely affect protein function. In summary, the available evidence is currently insufficient to determine the role of this variant in disease. Therefore, it has been classified as a Variant of Uncertain Significance.